The following is an entry in ClinVar:

ClinVar aggregate classification (germline): Uncertain significance (1 of 4 stars; one submission).

Conditions:
Inborn genetic diseases. Identifiers: MedGen C0950123, MeSH D030342.

gnomAD v4.1: 18 of 1,613,468 alleles (0.0011%); highest among the groups gnomAD compares: Non-Finnish European, 0.0015%; no homozygotes.

Submission:

Ambry Genetics
Classification: Uncertain significance for Inborn genetic diseases. Last evaluated: 2026-08-27. Review status: criteria provided, single submitter. Criteria: Ambry Variant Classification Scheme 2023. Collection method: clinical testing. Allele origin: germline.
Comment: The c.960G>T (p.K320N) alteration is located in exon 3 (coding exon 1) of the CHST6 gene. This alteration results from a G to T substitution at nucleotide position 960, causing the lysine (K) at amino acid position 320 to be replaced by an asparagine (N). Based on data from gnomAD, the T allele has an overall frequency of <0.001% (1/250792) total alleles studied. The highest observed frequency was 0.001% (1/113208) of European (non-Finnish) alleles. Based on insufficient or conflicting evidence, the clinical significance of this alteration remains unclear.

NM_021615.5(CHST6):c.960G>T (p.Lys320Asn)

Gene: CHST6 (carbohydrate sulfotransferase 6; minus strand). Cytogenetic location: 16q23.1.
Variant type: single nucleotide variant.
Coding change: c.960G>T on transcript NM_021615.5 (MANE Select); coding-DNA position 960, G replaced by T.
Protein change: p.Lys320Asn; replaces lysine 320 with asparagine.
Molecular consequence: missense variant.
Genome position (GRCh38, 1-based): chr16:75,478,869, C>A on the plus strand (G>T on the coding strand, the complement: CHST6 is on the minus strand). VCF-style: chr16-75478869-C-A. GRCh37 (hg19) VCF-style: chr16-75512767-C-A.
Other names: short protein forms K320N.
Identifiers: ClinVar variation 5034601 (VCV005034601.1).